The following is an entry in ClinVar:

ClinVar aggregate classification (germline): Uncertain significance. Review status: criteria provided, multiple submitters, no conflicts (2 of 4 stars). 5 submissions from 5 submitters: Uncertain significance (5). Last evaluated 2025-04-29.

Conditions:
Microcephaly 5, primary, autosomal recessive (MCPH5). Also called: ASPM Primary Microcephaly. Identifiers: Orphanet 2512, MedGen C1837501, MONDO:0012106, OMIM 608716.
Inborn genetic diseases. Identifiers: MedGen C0950123, MeSH D030342.

Allele frequency attached by ClinVar (database versions not stated): gnomAD 0.00001 and 0.00002; ExAC 0.00002; gnomAD exomes 0.00002 and 0.00003.
gnomAD v4.1: 35 of 1,613,926 alleles (0.0022%); highest among the groups gnomAD compares: South Asian, 0.031%; no homozygotes.

Submissions (5):

GeneDx
Classification: Uncertain significance. Last evaluated: 2025-04-29. Review status: criteria provided, single submitter. Criteria: GeneDx Variant Classification Process June 2021. Collection method: clinical testing. Allele origin: germline. Affected: yes.
Comment: In silico analysis indicates that this missense variant does not alter protein structure/function; Has not been previously published as pathogenic or benign to our knowledge

Ambry Genetics
Classification: Uncertain significance for Inborn genetic diseases. Last evaluated: 2023-09-13. Review status: criteria provided, single submitter. Criteria: Ambry Variant Classification Scheme 2023. Collection method: clinical testing. Allele origin: germline.

Genome-Nilou Lab
Classification: Uncertain significance for Microcephaly 5, primary, autosomal recessive. Last evaluated: 2023-04-11. Review status: criteria provided, single submitter. Criteria: ACMG Guidelines, 2015. Collection method: clinical testing. Allele origin: germline. Affected: no.

Labcorp Genetics (formerly Invitae), Labcorp
Classification: Uncertain significance. Last evaluated: 2022-04-29. Review status: criteria provided, single submitter. Criteria: Invitae Variant Classification Sherloc (09022015). Collection method: clinical testing. Allele origin: germline.
Comment: In summary, the available evidence is currently insufficient to determine the role of this variant in disease. Therefore, it has been classified as a Variant of Uncertain Significance. Algorithms developed to predict the effect of missense changes on protein structure and function output the following: SIFT: "Tolerated"; PolyPhen-2: "Benign"; Align-GVGD: "Class C0". The threonine amino acid residue is found in multiple mammalian species, which suggests that this missense change does not adversely affect protein function. ClinVar contains an entry for this variant (Variation ID: 875088). This variant has not been reported in the literature in individuals affected with ASPM-related conditions. This variant is present in population databases (rs757587073, gnomAD 0.02%). This sequence change replaces methionine, which is neutral and non-polar, with threonine, which is neutral and polar, at codon 581 of the ASPM protein (p.Met581Thr).

Illumina Laboratory Services, Illumina
Classification: Uncertain significance for Microcephaly 5, primary, autosomal recessive. Last evaluated: 2018-01-13. Review status: criteria provided, single submitter. Criteria: ICSL Variant Classification Criteria 13 December 2019. Collection method: clinical testing. Allele origin: germline.

NM_018136.5(ASPM):c.1742T>C (p.Met581Thr)

Gene: ASPM (assembly factor for spindle microtubules; minus strand). Cytogenetic location: 1q31.3.
Variant type: single nucleotide variant.
Coding change: c.1742T>C on transcript NM_018136.5 (MANE Select); coding-DNA position 1742, T replaced by C.
Protein change: p.Met581Thr; replaces methionine 581 with threonine.
Molecular consequence: missense variant.
Genome position (GRCh38, 1-based): chr1:197,142,510, A>G on the plus strand (T>C on the coding strand, the complement: ASPM is on the minus strand). VCF-style: chr1-197142510-A-G. GRCh37 (hg19) VCF-style: chr1-197111640-A-G.
Other names: c.1742T>C, p.Met581Thr (NM_001206846.2); short protein forms M581T.
Identifiers: ClinVar variation 875088 (VCV000875088.15), dbSNP rs757587073, ClinGen allele CA1310657.